The following is an entry in ClinVar:

NM_198859.4(PRICKLE2):c.424A>G (p.Ile142Val)

Gene: PRICKLE2 (prickle planar cell polarity protein 2; minus strand). Cytogenetic location: 3p14.1.
Variant type: single nucleotide variant.
Coding change: c.424A>G on transcript NM_198859.4 (MANE Select); coding-DNA position 424, A replaced by G.
Protein change: p.Ile142Val; replaces isoleucine 142 with valine.
Molecular consequence: missense variant.
Genome position (GRCh38, 1-based): chr3:64,157,338, T>C on the plus strand (A>G on the coding strand, the complement: PRICKLE2 is on the minus strand). VCF-style: chr3-64157338-T-C. GRCh37 (hg19) VCF-style: chr3-64143014-T-C.
Other names: c.424A>G, p.Ile142Val (NM_001370528.1); short protein forms I142V.
Identifiers: ClinVar variation 2738338 (VCV002738338.3), dbSNP rs777051702, ClinGen allele CA2479820.
Genomic context (GRCh38, chr3:64,157,338, plus strand): 5'-ATACGAAGCACGGCGGGTGCCAGCAAACGCCGTGGCCAGCGCGTGACGCAAACACAGCGA[T>C]GTCTCCACCATTGATCTGGCCTCCGCACTGTGAGGCAAACAGAAACATCAGTAGTCACAC-3'
Protein context (NP_942559.1, residues 132-152): QCGGQINGGD[Ile142Val]AVFASRAGHG

ClinVar aggregate classification (germline): Uncertain significance (1 of 4 stars; one submission).

Conditions:
Progressive myoclonic epilepsy type 5. Identifiers: Orphanet 402082, MedGen C5190799.

Allele frequency attached by ClinVar (database versions not stated): gnomAD 0.00001; ExAC 0.00003; gnomAD exomes 0.00004.
gnomAD v4.1: 23 of 1,613,544 alleles (0.0014%); highest among the groups gnomAD compares: South Asian, 0.025%; 1 homozygote.

Submission:

Labcorp Genetics (formerly Invitae), Labcorp
Classification: Uncertain significance for Progressive myoclonic epilepsy type 5. Last evaluated: 2022-12-07. Review status: criteria provided, single submitter. Criteria: Invitae Variant Classification Sherloc (09022015). Collection method: clinical testing. Allele origin: germline.
Comment: This variant has not been reported in the literature in individuals affected with PRICKLE2-related conditions. This variant is present in population databases (rs777051702, gnomAD 0.02%). This sequence change replaces isoleucine, which is neutral and non-polar, with valine, which is neutral and non-polar, at codon 142 of the PRICKLE2 protein (p.Ile142Val). Advanced modeling of protein sequence and biophysical properties (such as structural, functional, and spatial information, amino acid conservation, physicochemical variation, residue mobility, and thermodynamic stability) performed at Invitae indicates that this missense variant is not expected to disrupt PRICKLE2 protein function. In summary, the available evidence is currently insufficient to determine the role of this variant in disease. Therefore, it has been classified as a Variant of Uncertain Significance.